The following is an entry in ClinVar:

ClinVar aggregate classification (germline): Uncertain significance (1 of 4 stars; one submission).

Conditions:
Congenital myopathy with fiber type disproportion. Also called: Congenital fiber-type disproportion myopathy; Congenital fiber-type disproportion. Identifiers: Orphanet 2020, MedGen C0546264, MONDO:0009711. Inheritance: all.
Congenital myopathy 4B, autosomal recessive. Also called: Nemaline myopathy 1, autosomal dominant or recessive. Identifiers: Orphanet 171433, Orphanet 171439, Orphanet 171881, MedGen C5829889, MONDO:0012239, OMIM 609284.

Submission:

Labcorp Genetics (formerly Invitae), Labcorp
Classification: Uncertain significance for Congenital myopathy with fiber type disproportion; Congenital myopathy 4B, autosomal recessive. Last evaluated: 2026-01-27. Review status: criteria provided, single submitter. Criteria: Invitae Variant Classification Sherloc (09022015). Collection method: clinical testing. Allele origin: germline.
Comment: This sequence change replaces tyrosine, which is neutral and polar, with aspartic acid, which is acidic and polar, at codon 262 of the TPM3 protein (p.Tyr262Asp). This variant is not present in population databases (gnomAD no frequency). This variant has not been reported in the literature in individuals affected with TPM3-related conditions. Invitae Evidence Modeling of protein sequence and biophysical properties (such as structural, functional, and spatial information, amino acid conservation, physicochemical variation, residue mobility, and thermodynamic stability) indicates that this missense variant is not expected to disrupt TPM3 protein function with a negative predictive value of 80%. In summary, the available evidence is currently insufficient to determine the role of this variant in disease. Therefore, it has been classified as a Variant of Uncertain Significance.

NM_152263.4(TPM3):c.784T>G (p.Tyr262Asp)

Gene: TPM3 (tropomyosin 3; minus strand). Cytogenetic location: 1q21.3.
Variant type: single nucleotide variant.
Coding change: c.784T>G on transcript NM_152263.4 (MANE Select); coding-DNA position 784, T replaced by G.
Protein change: p.Tyr262Asp; replaces tyrosine 262 with aspartic acid.
Molecular consequence: missense variant. On other transcripts: intron variant (10).
Genome position (GRCh38, 1-based): chr1:154,169,375, A>C on the plus strand (T>G on the coding strand, the complement: TPM3 is on the minus strand). VCF-style: chr1-154169375-A-C. GRCh37 (hg19) VCF-style: chr1-154141851-A-C.
Other names: c.673T>G, p.Tyr225Asp (NM_001278189.2, NM_001349679.2, NM_001364683.1); c.784T>G, p.Tyr262Asp (NM_001364682.1); c.775+1025T>G (NM_001364679.2, NM_001364681.2, NM_001364680.2); c.466+1025T>G (NM_001278188.2); c.664+1025T>G (NM_001043351.2, NM_001043353.2, NM_153649.4 and 1 more transcripts); c.601+1025T>G (NM_001278190.2); c.394+1025T>G (NM_001278191.2); short protein forms Y225D, Y262D.
Identifiers: ClinVar variation 4782702 (VCV004782702.1).